The following is an entry in ClinVar:

NM_000434.4(NEU1):c.352+11G>C

Gene: NEU1 (neuraminidase 1; minus strand). Cytogenetic location: 6p21.33.
Variant type: single nucleotide variant.
Coding change: c.352+11G>C on transcript NM_000434.4 (MANE Select); 11 bases into the intron after coding-DNA position 352, G replaced by C.
Molecular consequence: intron variant.
Genome position (GRCh38, 1-based): chr6:31,861,988, C>G on the plus strand (G>C on the coding strand, the complement: NEU1 is on the minus strand). VCF-style: chr6-31861988-C-G. GRCh37 (hg19) VCF-style: chr6-31829765-C-G.
Other names: p.?.
Identifiers: ClinVar variation 1451954 (VCV001451954.9), dbSNP rs371406291, ClinGen allele CA3725054.

ClinVar aggregate classification (germline): Likely benign. Review status: criteria provided, multiple submitters, no conflicts (2 of 4 stars). 2 submissions from 2 submitters: Likely benign (2). Last evaluated 2025-11-26.

Allele frequency attached by ClinVar (database versions not stated): 1000 Genomes Project 30x 0.00016; ESP Exome Variant Server 0.00059.
gnomAD v4.1: 93 of 1,613,004 alleles (0.0058%); highest among the groups gnomAD compares: African/African-American, 0.12%; no homozygotes.

Submissions (2):

Labcorp Genetics (formerly Invitae), Labcorp
Classification: Likely benign. Last evaluated: 2025-11-26. Review status: criteria provided, single submitter. Criteria: Invitae Variant Classification Sherloc (09022015). Collection method: clinical testing. Allele origin: germline.

Mayo Clinic Laboratories, Mayo Clinic
Classification: Likely benign. Last evaluated: 2023-07-21. Review status: criteria provided, single submitter. Criteria: ACMG Guidelines, 2015. Collection method: clinical testing. Allele origin: germline. Observed: 1 variant allele.
Comment: BP4, BP7